The following is an entry in ClinVar:

ClinVar aggregate classification (germline): Likely benign (0 of 4 stars; one submission).

Conditions:
UMPS-related disorder. Also called: UMPS-related condition.

Allele frequency attached by ClinVar (database versions not stated): TOPMed 0.00006; ExAC 0.00008; gnomAD 0.00008; gnomAD exomes 0.00014; ESP Exome Variant Server 0.00015.
gnomAD v4.1: 217 of 1,614,090 alleles (0.013%); highest among the groups gnomAD compares: Non-Finnish European, 0.018%; no homozygotes.

Submission:

PreventionGenetics, part of Exact Sciences
Classification: Likely benign for UMPS-related condition. Last evaluated: 2019-09-24. Review status: no assertion criteria provided. Collection method: clinical testing. Allele origin: germline.
Comment: This variant is classified as likely benign based on ACMG/AMP sequence variant interpretation guidelines (Richards et al. 2015 PMID: 25741868, with internal and published modifications).

NM_000373.4(UMPS):c.1299T>C (p.Asn433=)

Gene: UMPS (uridine monophosphate synthetase; plus strand). Cytogenetic location: 3q21.2.
Variant type: single nucleotide variant.
Coding change: c.1299T>C on transcript NM_000373.4 (MANE Select); coding-DNA position 1299, T replaced by C.
Protein change: p.Asn433=; no amino-acid change (asparagine 433 retained).
Molecular consequence: synonymous variant. On other transcripts: non-coding transcript variant (2).
Genome position (GRCh38, 1-based): chr3:124,743,940, T>C. VCF-style: chr3-124743940-T-C. GRCh37 (hg19) VCF-style: chr3-124462787-T-C.
Identifiers: ClinVar variation 3040717 (VCV003040717.2), dbSNP rs146176526, ClinGen allele CA2581870.